The following is an entry in ClinVar:

NM_017780.4(CHD7):c.5573A>T (p.Lys1858Ile)

Gene: CHD7 (chromodomain helicase DNA binding protein 7; plus strand). Cytogenetic location: 8q12.2.
Variant type: single nucleotide variant.
Coding change: c.5573A>T on transcript NM_017780.4 (MANE Select); coding-DNA position 5573, A replaced by T.
Protein change: p.Lys1858Ile; replaces lysine 1858 with isoleucine.
Molecular consequence: missense variant. On other transcripts: intron variant (1).
Genome position (GRCh38, 1-based): chr8:60,851,070, A>T. VCF-style: chr8-60851070-A-T. GRCh37 (hg19) VCF-style: chr8-61763629-A-T.
Other names: c.1717-11159A>T (NM_001316690.1); short protein forms K1858I.
Identifiers: ClinVar variation 2161233 (VCV002161233.4), dbSNP rs2488021459, ClinGen allele CA371322009.

ClinVar aggregate classification (germline): Uncertain significance (1 of 4 stars; one submission).

Conditions:
CHARGE syndrome (CHARGE). Also called: Hittner Hirsch Kreh syndrome; CHARGE ASSOCIATION--COLOBOMA, HEART ANOMALY, CHOANAL ATRESIA, RETARDATION, GENITAL AND EAR ANOMALIES; Coloboma, heart anomaly, choanal atresia, retardation, genital and ear anomalies; CHARGE association; Hall-Hittner syndrome. Identifiers: Orphanet 138, MedGen C0265354, MONDO:0008965.

Allele frequency attached by ClinVar (database versions not stated): gnomAD exomes below 0.00001.
gnomAD v4.1: 4 of 1,574,720 alleles (0.00025%); highest among the groups gnomAD compares: Non-Finnish European, 0.00017%; no homozygotes.

Submission:

Labcorp Genetics (formerly Invitae), Labcorp
Classification: Uncertain significance for CHARGE syndrome. Last evaluated: 2024-05-03. Review status: criteria provided, single submitter. Criteria: Invitae Variant Classification Sherloc (09022015). Collection method: clinical testing. Allele origin: germline.
Comment: This sequence change replaces lysine, which is basic and polar, with isoleucine, which is neutral and non-polar, at codon 1858 of the CHD7 protein (p.Lys1858Ile). This variant is not present in population databases (gnomAD no frequency). This variant has not been reported in the literature in individuals affected with CHD7-related conditions. ClinVar contains an entry for this variant (Variation ID: 2161233). Advanced modeling of protein sequence and biophysical properties (such as structural, functional, and spatial information, amino acid conservation, physicochemical variation, residue mobility, and thermodynamic stability) performed at Invitae indicates that this missense variant is not expected to disrupt CHD7 protein function with a negative predictive value of 80%. In summary, the available evidence is currently insufficient to determine the role of this variant in disease. Therefore, it has been classified as a Variant of Uncertain Significance.